The following is an entry in ClinVar:

ClinVar aggregate classification (germline): Likely benign (1 of 4 stars; one submission).

gnomAD v4.1: 2 of 1,613,974 alleles (0.00012%); highest among the groups gnomAD compares: Non-Finnish European, 0.00017%; no homozygotes.

Submission:

CeGaT Center for Human Genetics Tuebingen
Classification: Likely benign. Last evaluated: 2025-04-01. Review status: criteria provided, single submitter. Criteria: CeGaT Center For Human Genetics Tuebingen Variant Classification Criteria Version 2. Collection method: clinical testing. Allele origin: germline. Affected: yes. Observed: 1 variant allele.
Comment: KIFBP: BP4, BP7

NM_015634.4(KIFBP):c.1626T>C (p.Pro542=)

Gene: KIFBP (kinesin family binding protein; plus strand). Cytogenetic location: 10q22.1.
Variant type: single nucleotide variant.
Coding change: c.1626T>C on transcript NM_015634.4 (MANE Select); coding-DNA position 1626, T replaced by C.
Protein change: p.Pro542=; no amino-acid change (proline 542 retained).
Molecular consequence: synonymous variant.
Genome position (GRCh38, 1-based): chr10:69,016,176, T>C. VCF-style: chr10-69016176-T-C. GRCh37 (hg19) VCF-style: chr10-70775932-T-C.
Identifiers: ClinVar variation 3898648 (VCV003898648.7).